The following is an entry in ClinVar:

NM_001267550.2(TTN):c.44890G>A (p.Glu14964Lys)

Gene: TTN (titin; minus strand). Cytogenetic location: 2q31.2.
Variant type: single nucleotide variant.
Coding change: c.44890G>A on transcript NM_001267550.2 (MANE Select); coding-DNA position 44890, G replaced by A.
Protein change: p.Glu14964Lys; replaces glutamic acid 14964 with lysine.
Molecular consequence: missense variant.
Genome position (GRCh38, 1-based): chr2:178,622,693, C>T on the plus strand (G>A on the coding strand, the complement: TTN is on the minus strand). VCF-style: chr2-178622693-C-T. GRCh37 (hg19) VCF-style: chr2-179487420-C-T.
Other names: c.39967G>A, p.Glu13323Lys (NM_001256850.1); c.17695G>A, p.Glu5899Lys (NM_003319.4); c.37186G>A, p.Glu12396Lys (NM_133378.4); c.18070G>A, p.Glu6024Lys (NM_133432.3); c.18271G>A, p.Glu6091Lys (NM_133437.4); short protein forms E13323K, E6024K, E12396K, E14964K, E6091K, E5899K.
Identifiers: ClinVar variation 672267 (VCV000672267.1), dbSNP rs1259780221, ClinGen allele CA349638667.

ClinVar aggregate classification (germline): Likely benign (1 of 4 stars; one submission).

Allele frequency attached by ClinVar (database versions not stated): gnomAD 0.00001; TOPMed below 0.00001.
gnomAD v4.1: 2 of 1,606,796 alleles (0.00012%); highest among the groups gnomAD compares: Non-Finnish European, 0.000085%; no homozygotes.

Submission:

GeneDx
Classification: Likely benign. Last evaluated: 2018-06-18. Review status: criteria provided, single submitter. Criteria: GeneDx Variant Classification (06012015). Collection method: clinical testing. Allele origin: germline. Affected: yes.
Comment: This variant is considered likely benign or benign based on one or more of the following criteria: it is a conservative change, it occurs at a poorly conserved position in the protein, it is predicted to be benign by multiple in silico algorithms, and/or has population frequency not consistent with disease.